The following is an entry in ClinVar:

ClinVar aggregate classification (germline): Uncertain significance. Review status: criteria provided, multiple submitters, no conflicts (2 of 4 stars). 6 submissions from 6 submitters: Uncertain significance (3). 3 of the submissions do not count toward it. Last evaluated 2024-12-11.

Conditions:
Polyglandular autoimmune syndrome, type 1 (APS1). Also called: PGA I; Autoimmune polyendocrinopathy syndrome , type I, with or without reversible metaphyseal dysplasia; Autoimmune polyendocrine syndrome type 1; HYPOADRENOCORTICISM WITH HYPOPARATHYROIDISM AND SUPERFICIAL MONILIASIS; Autoimmune polyendocrinopathy syndrome, type I; Whitaker syndrome. Identifiers: Orphanet 3453, MedGen C0085859, MONDO:0009411, OMIM 240300.
Inborn genetic diseases. Identifiers: MedGen C0950123, MeSH D030342.

Allele frequency attached by ClinVar (database versions not stated): ESP Exome Variant Server 0.00008; TOPMed 0.00009; gnomAD 0.00010 and 0.00011; ExAC 0.00012; gnomAD exomes 0.00012 and 0.00013; 1000 Genomes Project 30x 0.00016; 1000 Genomes Project 0.00020.
gnomAD v4.1: 212 of 1,612,452 alleles (0.013%); highest among the groups gnomAD compares: Middle Eastern, 0.034%; no homozygotes.

Submissions (6):

Labcorp Genetics (formerly Invitae), Labcorp
Classification: Uncertain significance for Polyglandular autoimmune syndrome, type 1. Last evaluated: 2024-12-11. Review status: criteria provided, single submitter. Criteria: Invitae Variant Classification Sherloc (09022015). Collection method: clinical testing. Allele origin: germline.
Comment: This sequence change replaces serine, which is neutral and polar, with leucine, which is neutral and non-polar, at codon 372 of the AIRE protein (p.Ser372Leu). This variant is present in population databases (rs202237214, gnomAD 0.02%). This variant has not been reported in the literature in individuals affected with AIRE-related conditions. ClinVar contains an entry for this variant (Variation ID: 968931). Invitae Evidence Modeling of protein sequence and biophysical properties (such as structural, functional, and spatial information, amino acid conservation, physicochemical variation, residue mobility, and thermodynamic stability) indicates that this missense variant is not expected to disrupt AIRE protein function with a negative predictive value of 95%. In summary, the available evidence is currently insufficient to determine the role of this variant in disease. Therefore, it has been classified as a Variant of Uncertain Significance.

Ambry Genetics
Classification: Uncertain significance for Inborn genetic diseases. Last evaluated: 2022-09-26. Review status: criteria provided, single submitter. Criteria: Ambry Variant Classification Scheme 2023. Collection method: clinical testing. Allele origin: germline.

Fulgent Genetics
Classification: Uncertain significance for Polyglandular autoimmune syndrome, type 1. Last evaluated: 2021-09-10. Review status: criteria provided, single submitter. Criteria: ACMG Guidelines, 2015. Collection method: clinical testing. Allele origin: unknown.

Natera, Inc.
Classification: Uncertain significance for Polyglandular autoimmune syndrome type 1. Last evaluated: 2020-01-17. Review status: no assertion criteria provided. Collection method: clinical testing. Allele origin: germline. Not counted in ClinVar's aggregate classification.

Clinical Genetics DNA and cytogenetics Diagnostics Lab, Erasmus MC, Erasmus Medical Center
Classification: Likely benign. Review status: no assertion criteria provided. Collection method: clinical testing. Allele origin: germline. Affected: yes. Study: VKGL Data-share Consensus. Not counted in ClinVar's aggregate classification.

Genome Diagnostics Laboratory, University Medical Center Utrecht
Classification: Likely benign. Review status: no assertion criteria provided. Collection method: clinical testing. Allele origin: germline. Affected: yes. Study: VKGL Data-share Consensus. Not counted in ClinVar's aggregate classification.

NM_000383.4(AIRE):c.1115C>T (p.Ser372Leu)

Gene: AIRE (autoimmune regulator; plus strand). Cytogenetic location: 21q22.3.
Variant type: single nucleotide variant.
Coding change: c.1115C>T on transcript NM_000383.4 (MANE Select); coding-DNA position 1115, C replaced by T.
Protein change: p.Ser372Leu; replaces serine 372 with leucine.
Molecular consequence: missense variant.
Genome position (GRCh38, 1-based): chr21:44,293,012, C>T. VCF-style: chr21-44293012-C-T. GRCh37 (hg19) VCF-style: chr21-45712895-C-T.
Other names: c.1115C>T (NM_000383.2); short protein forms S372L.
Identifiers: ClinVar variation 968931 (VCV000968931.11), dbSNP rs202237214, ClinGen allele CA10051953.